The following is an entry in ClinVar:

ClinVar aggregate classification (germline): Uncertain significance (1 of 4 stars; one submission).

Conditions:
Frontotemporal dementia and/or amyotrophic lateral sclerosis 1 (FTDALS1). Also called: C9orf72 Frontotemporal Dementia and/or Amyotrophic Lateral Sclerosis; Frontotemporal dementia with motor neuron disease 1. Identifiers: Orphanet 275872, MedGen C5779877, MONDO:0007105, OMIM 105550.
Paget disease of bone 2, early-onset (PDB2). Also called: Paget disease of bone 2. Identifiers: MedGen C4085251, MONDO:0011183, OMIM 602080.

Allele frequency attached by ClinVar (database versions not stated): gnomAD exomes below 0.00001.
gnomAD v4.1: 1 of 1,613,938 alleles (0.000062%); highest among the groups gnomAD compares: African/African-American, 0.0013%; no homozygotes.

Submission:

Labcorp Genetics (formerly Invitae), Labcorp
Classification: Uncertain significance for Paget disease of bone 2, early-onset; Frontotemporal dementia and/or amyotrophic lateral sclerosis 1. Last evaluated: 2021-07-03. Review status: criteria provided, single submitter. Criteria: Invitae Variant Classification Sherloc (09022015). Collection method: clinical testing. Allele origin: germline.
Comment: This sequence change replaces histidine with arginine at codon 385 of the SQSTM1 protein (p.His385Arg). The histidine residue is moderately conserved and there is a small physicochemical difference between histidine and arginine. This variant is not present in population databases (ExAC no frequency). This variant has not been reported in the literature in individuals affected with SQSTM1-related conditions. Algorithms developed to predict the effect of missense changes on protein structure and function are either unavailable or do not agree on the potential impact of this missense change (SIFT: "Tolerated"; PolyPhen-2: "Possibly Damaging"; Align-GVGD: "Class C0"). In summary, the available evidence is currently insufficient to determine the role of this variant in disease. Therefore, it has been classified as a Variant of Uncertain Significance.

NM_003900.5(SQSTM1):c.1154A>G (p.His385Arg)

Gene: SQSTM1 (sequestosome 1; plus strand). Cytogenetic location: 5q35.3.
Variant type: single nucleotide variant.
Coding change: c.1154A>G on transcript NM_003900.5 (MANE Select); coding-DNA position 1154, A replaced by G.
Protein change: p.His385Arg; replaces histidine 385 with arginine.
Molecular consequence: missense variant.
Genome position (GRCh38, 1-based): chr5:179,833,771, A>G. VCF-style: chr5-179833771-A-G. GRCh37 (hg19) VCF-style: chr5-179260771-A-G.
Other names: c.902A>G, p.His301Arg (NM_001142298.2, NM_001142299.2); short protein forms H385R, H301R.
Identifiers: ClinVar variation 1404059 (VCV001404059.8), dbSNP rs2113513106, ClinGen allele CA362453099.